The following is an entry in ClinVar:

NM_000061.3(BTK):c.1072C>T (p.Leu358Phe)

Gene: BTK (Bruton tyrosine kinase; minus strand). Cytogenetic location: Xq22.1.
Variant type: single nucleotide variant.
Coding change: c.1072C>T on transcript NM_000061.3 (MANE Select); coding-DNA position 1072, C replaced by T.
Protein change: p.Leu358Phe; replaces leucine 358 with phenylalanine.
Molecular consequence: missense variant. On other transcripts: intron variant (1).
Genome position (GRCh38, 1-based): chrX:101,358,340, G>A on the plus strand (C>T on the coding strand, the complement: BTK is on the minus strand). VCF-style: chrX-101358340-G-A. GRCh37 (hg19) VCF-style: chrX-100613328-G-A.
Other names: c.1174C>T, p.Leu392Phe (NM_001287344.2); c.1038+34C>T (NM_001287345.2); short protein forms L358F, L392F.
Identifiers: ClinVar variation 3724307 (VCV003724307.2).

ClinVar aggregate classification (germline): Likely pathogenic (1 of 4 stars; one submission).

Conditions:
X-linked agammaglobulinemia with growth hormone deficiency (IGHD3). Also called: Isolated growth hormone deficiency type 3; Growth hormone deficiency with hypogammaglobulinemia; AGAMMAGLOBULINEMIA AND ISOLATED GROWTH HORMONE DEFICIENCY, X-LINKED; FLEISHER SYNDROME; HYPOGAMMAGLOBULINEMIA AND ISOLATED GROWTH HORMONE DEFICIENCY, X-LINKED; IGHD III. Identifiers: Orphanet 231692, Orphanet 631, MedGen C0472813, MONDO:0010615, OMIM 307200.

Submission:

Labcorp Genetics (formerly Invitae), Labcorp
Classification: Likely pathogenic for X-linked agammaglobulinemia with growth hormone deficiency. Last evaluated: 2024-04-24. Review status: criteria provided, single submitter. Criteria: Invitae Variant Classification Sherloc (09022015). Collection method: clinical testing. Allele origin: germline.
Comment: This sequence change replaces leucine, which is neutral and non-polar, with phenylalanine, which is neutral and non-polar, at codon 358 of the BTK protein (p.Leu358Phe). This variant is not present in population databases (gnomAD no frequency). This missense change has been observed in individuals with X-linked agammaglobulinaemia (PMID: 7897635, 8851194, 14974089; Invitae). This variant is also known as c.1204C>T. Advanced modeling of protein sequence and biophysical properties (such as structural, functional, and spatial information, amino acid conservation, physicochemical variation, residue mobility, and thermodynamic stability) performed at Invitae indicates that this missense variant is expected to disrupt BTK protein function with a positive predictive value of 80%. Experimental studies have shown that this missense change affects BTK function (PMID: 10754312). In summary, the currently available evidence indicates that the variant is pathogenic, but additional data are needed to prove that conclusively. Therefore, this variant has been classified as Likely Pathogenic.

Literature cited by the submitters: PubMed 7897635; PubMed 8851194; PubMed 14974089; PubMed 10754312.